The following is an entry in ClinVar:

ClinVar aggregate classification (germline): Likely pathogenic (1 of 4 stars; one submission).

Conditions:
Holocarboxylase synthetase deficiency. Also called: MULTIPLE CARBOXYLASE DEFICIENCY, EARLY ONSET. Identifiers: Orphanet 79242, MedGen C0268581, MONDO:0009666, OMIM 253270.

Submission:

Myriad Genetics, Inc.
Classification: Likely pathogenic for Holocarboxylase synthetase deficiency. Last evaluated: 2022-01-02. Review status: criteria provided, single submitter. Criteria: Myriad Women's Health Autosomal Recessive and X-Linked Classification Criteria (2021). Collection method: clinical testing. Allele origin: unknown.
Comment: NM_000411.6(HLCS):c.1318_1319insCC(V440Afs*2) is expected to be pathogenic in the context of holocarboxylase synthetase deficiency. This variant is predicted to lead to an abnormal or absent protein product due to the creation of a premature termination codon in HLCS, a gene where loss-of-function variants are known to be pathogenic. Please note: this variant was assessed in the context of healthy population screening.

NM_001352514.2(HLCS):c.1759_1760insCC (p.Val587fs)

Gene: HLCS (holocarboxylase synthetase; minus strand). Cytogenetic location: 21q22.13.
Variant type: Insertion.
Coding change: c.1759_1760insCC on transcript NM_001352514.2 (MANE Select); coding-DNA positions 1759 to 1760, CC inserted.
Protein change: p.Val587fs; shifts the reading frame from valine 587.
Molecular consequence: frameshift variant. On other transcripts: non-coding transcript variant (2).
Genome position: GRCh38 VCF-style: chr21-36896992-A-AGG. GRCh37 (hg19) VCF-style: chr21-38269292-A-AGG.
Other names: c.1318_1319insCC, p.Val440fs (NM_000411.8, NM_001242784.3, NM_001242785.2 and 4 more transcripts); short protein forms V440fs, V587fs.
Identifiers: ClinVar variation 1726843 (VCV001726843.2), dbSNP rs2517423269, ClinGen allele CA2580098666.